The following is an entry in ClinVar:

ClinVar aggregate classification (germline): Conflicting classifications of pathogenicity. Review status: criteria provided, conflicting classifications (1 of 4 stars). 4 submissions from 4 submitters: Pathogenic (1); Likely pathogenic (1); Uncertain significance (2). Last evaluated 2026-09-05.

Conditions:
Early-infantile DEE. Also called: Ohtahara syndrome; Early infantile epileptic encephalopathy; Early infantile epileptic encephalopathy with suppression bursts. Identifiers: Orphanet 1934, MedGen C0393706, MONDO:0800491.
Inborn genetic diseases. Identifiers: MedGen C0950123, MeSH D030342.

Submissions (4):

GeneDx
Classification: Pathogenic. Last evaluated: 2026-09-05. Review status: criteria provided, single submitter. Criteria: GeneDx Variant Classification Process June 2021. Collection method: clinical testing. Allele origin: germline.
Comment: Published functional studies suggest a damaging effect on 1-dependent channel gating modulation (PMID: 42370886); In silico analysis supports that this missense variant has a deleterious effect on protein structure/function; Not observed at significant frequency in large population cohorts (gnomAD); This substitution is predicted to be within the extracellular loop between the S3 and S4 transmembrane segments of the fourth homologous domain; This variant is associated with the following publications: (PMID: 37585367, 42370886)

Revvity Omics, Revvity
Classification: Uncertain significance. Last evaluated: 2024-03-08. Review status: criteria provided, single submitter. Criteria: ACMG Guidelines, 2015. Collection method: clinical testing. Allele origin: germline.

Labcorp Genetics (formerly Invitae), Labcorp
Classification: Likely pathogenic for Early-infantile DEE. Last evaluated: 2024-01-07. Review status: criteria provided, single submitter. Criteria: Invitae Variant Classification Sherloc (09022015). Collection method: clinical testing. Allele origin: germline.
Comment: This sequence change replaces glutamic acid, which is acidic and polar, with lysine, which is basic and polar, at codon 1607 of the SCN8A protein (p.Glu1607Lys). This variant is not present in population databases (gnomAD no frequency). This missense change has been observed in individual(s) with clinical features of SCN8A-related conditions (Invitae). In at least one individual the variant was observed to be de novo. ClinVar contains an entry for this variant (Variation ID: 1066236). Advanced modeling of protein sequence and biophysical properties (such as structural, functional, and spatial information, amino acid conservation, physicochemical variation, residue mobility, and thermodynamic stability) performed at Invitae indicates that this missense variant is not expected to disrupt SCN8A protein function with a negative predictive value of 95%. In summary, the currently available evidence indicates that the variant is pathogenic, but additional data are needed to prove that conclusively. Therefore, this variant has been classified as Likely Pathogenic.

Ambry Genetics
Classification: Uncertain significance for Inborn genetic diseases. Last evaluated: 2019-05-14. Review status: criteria provided, single submitter. Criteria: Ambry Variant Classification Scheme 2023. Collection method: clinical testing. Allele origin: germline.
Comment: The p.E1607K variant (also known as c.4819G>A), located in coding exon 26 of the SCN8A gene, results from a G to A substitution at nucleotide position 4819. The glutamic acid at codon 1607 is replaced by lysine, an amino acid with similar properties. This amino acid position is well conserved in available vertebrate species. In addition, this alteration is predicted to be deleterious by in silico analysis. Since supporting evidence is limited at this time, the clinical significance of this alteration remains unclear.

NM_001330260.2(SCN8A):c.4819G>A (p.Glu1607Lys)

Gene: SCN8A (sodium voltage-gated channel alpha subunit 8; plus strand). Cytogenetic location: 12q13.13.
Variant type: single nucleotide variant.
Coding change: c.4819G>A on transcript NM_001330260.2 (MANE Select); coding-DNA position 4819, G replaced by A.
Protein change: p.Glu1607Lys; replaces glutamic acid 1607 with lysine.
Molecular consequence: missense variant.
Genome position (GRCh38, 1-based): chr12:51,806,305, G>A. VCF-style: chr12-51806305-G-A. GRCh37 (hg19) VCF-style: chr12-52200089-G-A.
Other names: c.4696G>A, p.Glu1566Lys (NM_001177984.3, NM_001369788.1); c.4819G>A, p.Glu1607Lys (NM_014191.4); short protein forms E1566K, E1607K.
Identifiers: ClinVar variation 1066236 (VCV001066236.17), dbSNP rs1555230905, ClinGen allele CA384880304.